The following is an entry in ClinVar:

NM_004415.4(DSP):c.5584A>G (p.Asn1862Asp)

Gene: DSP (desmoplakin; plus strand). Cytogenetic location: 6p24.3.
Variant type: single nucleotide variant.
Coding change: c.5584A>G on transcript NM_004415.4 (MANE Select); coding-DNA position 5584, A replaced by G.
Protein change: p.Asn1862Asp; replaces asparagine 1862 with aspartic acid.
Molecular consequence: missense variant.
Genome position (GRCh38, 1-based): chr6:7,582,846, A>G. VCF-style: chr6-7582846-A-G. GRCh37 (hg19) VCF-style: chr6-7583079-A-G.
Other names: c.3787A>G, p.Asn1263Asp (NM_001008844.3); c.4255A>G, p.Asn1419Asp (NM_001319034.2); short protein forms N1263D, N1419D, N1862D.
Identifiers: ClinVar variation 3386692 (VCV003386692.1).

ClinVar aggregate classification (germline): Uncertain significance (1 of 4 stars; one submission).

Conditions:
Arrhythmogenic cardiomyopathy with wooly hair and keratoderma. Also called: Carvajal syndrome; PALMOPLANTAR KERATODERMA WITH LEFT VENTRICULAR CARDIOMYOPATHY AND WOOLLY HAIR; Dilated cardiomyopathy with woolly hair and keratoderma; Arrhythmogenic cardiomyopathy with woolly hair and keratoderma. Identifiers: Orphanet 65282, MedGen C1854063, MONDO:0011581, OMIM 605676.

Submission:

All of Us Research Program, National Institutes of Health
Classification: Uncertain significance for Arrhythmogenic cardiomyopathy with wooly hair and keratoderma. Last evaluated: 2024-04-25. Review status: criteria provided, single submitter. Criteria: ACMG Guidelines, 2015. Collection method: clinical testing. Allele origin: germline. Inheritance: Autosomal dominant inheritance. Observed: 1 variant allele, 1 heterozygote.
Comment: This missense variant replaces asparagine with aspartic acid at codon 1862 of the DSP protein. Computational prediction suggests that this variant may not impact protein structure and function (internally defined REVEL score threshold <= 0.5, PMID: 27666373). To our knowledge, functional studies have not been reported for this variant. This variant has not been reported in individuals affected with DSP-related disorders in the literature. This variant has not been identified in the general population by the Genome Aggregation Database (gnomAD). The available evidence is insufficient to determine the role of this variant in disease conclusively. Therefore, this variant is classified as a Variant of Uncertain Significance.

This study involves interpretation of variants in research participants for the purpose of population health screening. Participant phenotype was not available at the time of variant classification. Additional details can be found in publication PMID: 35346344, PMCID: PMC8962531